The following is an entry in ClinVar:

NM_000038.6(APC):c.8325G>C (p.Gly2775=)

Gene: APC (APC regulator of Wnt signaling pathway; plus strand). Cytogenetic location: 5q22.2.
Variant type: single nucleotide variant.
Coding change: c.8325G>C on transcript NM_000038.6 (MANE Select); coding-DNA position 8325, G replaced by C.
Protein change: p.Gly2775=; no amino-acid change (glycine 2775 retained).
Molecular consequence: synonymous variant. On other transcripts: non-coding transcript variant (2).
Genome position (GRCh38, 1-based): chr5:112,843,919, G>C. VCF-style: chr5-112843919-G-C. GRCh37 (hg19) VCF-style: chr5-112179616-G-C.
Other names: c.8325G>C, p.Gly2775= (NM_001127510.3, NM_001354895.2, NM_001407450.1); c.8271G>C, p.Gly2757= (NM_001127511.3); c.8379G>C, p.Gly2793= (NM_001354896.2, NM_001407447.1, NM_001407448.1 and 1 more transcripts); c.8355G>C, p.Gly2785= (NM_001354897.2); c.8250G>C, p.Gly2750= (NM_001354898.2); c.8241G>C, p.Gly2747= (NM_001354899.2); c.8202G>C, p.Gly2734= (NM_001354900.2); c.8148G>C, p.Gly2716= (NM_001354901.2, NM_001407453.1); and 11 more.
Identifiers: ClinVar variation 3254217 (VCV003254217.1), dbSNP rs770719841.

ClinVar aggregate classification (germline): Benign (1 of 4 stars; one submission).

Conditions:
Familial adenomatous polyposis 1 (FAP1). Also called: FAMILIAL ADENOMATOUS POLYPOSIS 1, ATTENUATED; POLYPOSIS, ADENOMATOUS INTESTINAL. Identifiers: MedGen C2713442, MONDO:0021056, OMIM 175100. Disease mechanism: loss of function.

Submission:

Myriad Genetics, Inc.
Classification: Benign for Familial adenomatous polyposis 1. Last evaluated: 2024-04-15. Review status: criteria provided, single submitter. Criteria: Myriad Autosomal Dominant, Autosomal Recessive and X-Linked Classification Criteria (2023). Collection method: clinical testing. Allele origin: unknown.
Comment: This variant is considered benign. This variant is a silent/synonymous amino acid change and it is not expected to impact splicing.